The following is an entry in ClinVar:

NM_001164508.2(NEB):c.9550A>G (p.Lys3184Glu)

Gene: NEB (nebulin; minus strand). Cytogenetic location: 2q23.3.
Variant type: single nucleotide variant.
Coding change: c.9550A>G on transcript NM_001164508.2 (MANE Select); coding-DNA position 9550, A replaced by G.
Protein change: p.Lys3184Glu; replaces lysine 3184 with glutamic acid.
Molecular consequence: missense variant. On other transcripts: intron variant (1).
Genome position (GRCh38, 1-based): chr2:151,631,211, T>C on the plus strand (A>G on the coding strand, the complement: NEB is on the minus strand). VCF-style: chr2-151631211-T-C. GRCh37 (hg19) VCF-style: chr2-152487725-T-C.
Other names: c.9550A>G, p.Lys3184Glu (NM_001164507.2, NM_001271208.2); c.8854-33A>G (NM_004543.5); short protein forms K3184E.
Identifiers: ClinVar variation 2146803 (VCV002146803.4), dbSNP rs759011090, ClinGen allele CA1909284.

ClinVar aggregate classification (germline): Uncertain significance (1 of 4 stars; one submission).

Conditions:
Nemaline myopathy 2 (NEM2). Also called: Nemaline myopathy 2, autosomal recessive. Identifiers: MedGen C1850569, MONDO:0009725, OMIM 256030.

Allele frequency attached by ClinVar (database versions not stated): gnomAD 0.00001; gnomAD exomes 0.00001; TOPMed 0.00001; ExAC 0.00004.
gnomAD v4.1: 10 of 1,613,804 alleles (0.00062%); highest among the groups gnomAD compares: Non-Finnish European, 0.00085%; no homozygotes.

Submission:

Labcorp Genetics (formerly Invitae), Labcorp
Classification: Uncertain significance for Nemaline myopathy 2. Last evaluated: 2022-06-12. Review status: criteria provided, single submitter. Criteria: Invitae Variant Classification Sherloc (09022015). Collection method: clinical testing. Allele origin: germline.
Comment: This sequence change replaces lysine, which is basic and polar, with glutamic acid, which is acidic and polar, at codon 3184 of the NEB protein (p.Lys3184Glu). This variant is present in population databases (rs759011090, gnomAD 0.005%). This variant has not been reported in the literature in individuals affected with NEB-related conditions. Algorithms developed to predict the effect of missense changes on protein structure and function are either unavailable or do not agree on the potential impact of this missense change (SIFT: "Deleterious"; PolyPhen-2: "Not Available"; Align-GVGD: "Class C0"). In summary, the available evidence is currently insufficient to determine the role of this variant in disease. Therefore, it has been classified as a Variant of Uncertain Significance.